The following is an entry in ClinVar:

ClinVar aggregate classification (germline): Uncertain significance. Review status: criteria provided, multiple submitters, no conflicts (2 of 4 stars). 2 submissions from 2 submitters: Uncertain significance (2). Last evaluated 2026-02-01.

Conditions:
Left ventricular noncompaction 8 (LVNC8). Identifiers: Orphanet 154, Orphanet 54260, MedGen C3809288, MONDO:0014152, OMIM 615373.

Allele frequency attached by ClinVar (database versions not stated): TOPMed below 0.00001; gnomAD 0.00001; gnomAD exomes 0.00001.
gnomAD v4.1: 5 of 1,612,652 alleles (0.00031%); highest among the groups gnomAD compares: Non-Finnish European, 0.00042%; no homozygotes.

Submissions (2):

Labcorp Genetics (formerly Invitae), Labcorp
Classification: Uncertain significance for Left ventricular noncompaction 8. Last evaluated: 2026-02-01. Review status: criteria provided, single submitter. Criteria: Invitae Variant Classification Sherloc (09022015). Collection method: clinical testing. Allele origin: germline.
Comment: This sequence change replaces proline, which is neutral and non-polar, with leucine, which is neutral and non-polar, at codon 779 of the PRDM16 protein (p.Pro779Leu). This variant is not present in population databases (gnomAD no frequency). This variant has not been reported in the literature in individuals affected with PRDM16-related conditions. ClinVar contains an entry for this variant (Variation ID: 1947899). An algorithm developed to predict the effect of missense changes on protein structure and function (PolyPhen-2) suggests that this variant is likely to be disruptive. In summary, the available evidence is currently insufficient to determine the role of this variant in disease. Therefore, it has been classified as a Variant of Uncertain Significance.

Blueprint Genetics
Classification: Uncertain significance. Last evaluated: 2024-09-19. Review status: criteria provided, single submitter. Criteria: ACMG Guidelines, 2015. Collection method: clinical testing. Allele origin: germline.

NM_022114.4(PRDM16):c.2336C>T (p.Pro779Leu)

Gene: PRDM16 (PR/SET domain 16; plus strand). Cytogenetic location: 1p36.32.
Variant type: single nucleotide variant.
Coding change: c.2336C>T on transcript NM_022114.4 (MANE Select); coding-DNA position 2336, C replaced by T.
Protein change: p.Pro779Leu; replaces proline 779 with leucine.
Molecular consequence: missense variant.
Genome position (GRCh38, 1-based): chr1:3,412,533, C>T. VCF-style: chr1-3412533-C-T. GRCh37 (hg19) VCF-style: chr1-3329097-C-T.
Other names: c.2336C>T, p.Pro779Leu (NM_199454.3); short protein forms P779L.
Identifiers: ClinVar variation 1947899 (VCV001947899.6), dbSNP rs1239211928, ClinGen allele CA338000167.
Genomic context (GRCh38, chr1:3,412,533, plus strand): 5'-GGGACGCCCTCAAGGTGGGCGGCCCCAGTGCCGAGTGCCCCTTTGATCTCACCACCAAGC[C>T]CAAAGACGTGAAGCCCATCCTGCCCATGCCCAAGGGCCCCTCGGCCCCCGCATCCGGCGA-3'
Protein context (NP_071397.3, residues 769-789): AECPFDLTTK[Pro779Leu]KDVKPILPMP